The following is an entry in ClinVar:

NM_015425.6(POLR1A):c.4716C>T (p.Asn1572=)

Gene: POLR1A (RNA polymerase I subunit A; minus strand). Cytogenetic location: 2p11.2.
Variant type: single nucleotide variant.
Coding change: c.4716C>T on transcript NM_015425.6 (MANE Select); coding-DNA position 4716, C replaced by T.
Protein change: p.Asn1572=; no amino-acid change (asparagine 1572 retained).
Molecular consequence: synonymous variant.
Genome position (GRCh38, 1-based): chr2:86,030,259, G>A on the plus strand (C>T on the coding strand, the complement: POLR1A is on the minus strand). VCF-style: chr2-86030259-G-A. GRCh37 (hg19) VCF-style: chr2-86257382-G-A.
Identifiers: ClinVar variation 715496 (VCV000715496.11), dbSNP rs200374085, ClinGen allele CA1745419.

ClinVar aggregate classification (germline): Benign/Likely benign. Review status: criteria provided, multiple submitters, no conflicts (2 of 4 stars). 3 submissions from 3 submitters: Benign (1); Likely benign (2). Last evaluated 2026-05-13.

Allele frequency attached by ClinVar (database versions not stated): 1000 Genomes Project 30x 0.00016; 1000 Genomes Project 0.00020; TOPMed 0.00036; gnomAD 0.00047 and 0.00050; ESP Exome Variant Server 0.00049; ExAC 0.00070.
gnomAD v4.1: 758 of 1,614,142 alleles (0.047%); highest among the groups gnomAD compares: Non-Finnish European, 0.056%; 1 homozygote.

Submissions (3):

Women's Health and Genetics/Laboratory Corporation of America, LabCorp
Classification: Benign. Last evaluated: 2026-05-13. Review status: criteria provided, single submitter. Criteria: LabCorp Variant Classification Summary - May 2015. Collection method: clinical testing. Allele origin: germline.
Comment: Variant summary: POLR1A c.4716C>T alters a conserved nucleotide resulting in a synonymous change. Consensus agreement among computation tools predict no significant impact on normal splicing. However, these predictions have yet to be confirmed by functional studies. The variant allele was found at a frequency of 0.00061 in 249584 control chromosomes, predominantly at a frequency of 0.0011 within the Non-Finnish European subpopulation in the gnomAD database, including 1 homozygotes. The observed variant frequency within Non-Finnish European control individuals in the gnomAD database exceeds the estimated maximal expected allele frequency for disease-causing variants in POLR1A. To our knowledge, no occurrence of c.4716C>T in individuals affected with POLR1A-related conditions and no experimental evidence demonstrating its impact on protein function have been reported. ClinVar contains an entry for this variant (Variation ID: 715496). Based on the evidence outlined above, the variant was classified as benign.

Labcorp Genetics (formerly Invitae), Labcorp
Classification: Likely benign. Last evaluated: 2026-01-26. Review status: criteria provided, single submitter. Criteria: Invitae Variant Classification Sherloc (09022015). Collection method: clinical testing. Allele origin: germline.

Blueprint Genetics
Classification: Likely benign. Last evaluated: 2024-11-21. Review status: criteria provided, single submitter. Criteria: ACMG Guidelines, 2015. Collection method: clinical testing. Allele origin: germline.